The following is an entry in ClinVar:

ClinVar aggregate classification (germline): Benign. Review status: criteria provided, multiple submitters, no conflicts (2 of 4 stars). 3 submissions from 3 submitters: Benign (3). Last evaluated 2026-02-04.

Conditions:
Trichohepatoenteric syndrome 2 (THES2). Identifiers: Orphanet 84064, MedGen C3281289, MONDO:0013818, OMIM 614602.

Allele frequency attached by ClinVar (database versions not stated): gnomAD exomes 0.03725 and 0.05183; ExAC 0.05130; ESP Exome Variant Server 0.05296; gnomAD 0.05522 and 0.05545; TOPMed 0.05901; 1000 Genomes Project 0.06749; 1000 Genomes Project 30x 0.06855.
gnomAD v4.1: 63,524 of 1,612,958 alleles (3.9%); highest among the groups gnomAD compares: East Asian, 7.9%; 1,696 homozygotes.

Submissions (3):

Labcorp Genetics (formerly Invitae), Labcorp
Classification: Benign. Last evaluated: 2026-02-04. Review status: criteria provided, single submitter. Criteria: Invitae Variant Classification Sherloc (09022015). Collection method: clinical testing. Allele origin: germline.

Mayo Clinic Laboratories, Mayo Clinic
Classification: Benign. Last evaluated: 2019-06-12. Review status: criteria provided, single submitter. Criteria: ACMG Guidelines, 2015. Collection method: clinical testing. Allele origin: germline. Observed: 56 variant alleles.

Illumina Laboratory Services, Illumina
Classification: Benign for Trichohepatoenteric syndrome 2. Last evaluated: 2018-01-13. Review status: criteria provided, single submitter. Criteria: ICSL Variant Classification Criteria 13 December 2019. Collection method: clinical testing. Allele origin: germline.
Comment: This variant was observed in the ICSL laboratory as part of a predisposition screen in an ostensibly healthy population. It had not been previously curated by ICSL or reported in the Human Gene Mutation Database (HGMD: prior to June 1st, 2018), and was therefore a candidate for classification through an automated scoring system. Utilizing variant allele frequency, disease prevalence and penetrance estimates, and inheritance mode, an automated score was calculated to assess if this variant is too frequent to cause the disease. Based on the score and internal cut-off values, a variant classified as benign is not then subjected to further curation. The score for this variant resulted in a classification of benign for this disease.

NM_006929.5(SKIC2):c.2659G>A (p.Asp887Asn)

Gene: SKIC2 (SKI2 subunit of superkiller complex; plus strand). Cytogenetic location: 6p21.33.
Variant type: single nucleotide variant.
Coding change: c.2659G>A on transcript NM_006929.5 (MANE Select); coding-DNA position 2659, G replaced by A.
Protein change: p.Asp887Asn; replaces aspartic acid 887 with asparagine.
Molecular consequence: missense variant.
Genome position (GRCh38, 1-based): chr6:31,967,790, G>A. VCF-style: chr6-31967790-G-A. GRCh37 (hg19) VCF-style: chr6-31935567-G-A.
Other names: short protein forms D887N.
Identifiers: ClinVar variation 356340 (VCV000356340.14), dbSNP rs3911893, ClinGen allele CA3729842.